The following is an entry in ClinVar:

NM_176787.5(PIGN):c.1928A>G (p.Asp643Gly)

Gene: PIGN (phosphatidylinositol glycan anchor biosynthesis class N; minus strand). Cytogenetic location: 18q21.33.
Variant type: single nucleotide variant.
Coding change: c.1928A>G on transcript NM_176787.5 (MANE Select); coding-DNA position 1928, A replaced by G.
Protein change: p.Asp643Gly; replaces aspartic acid 643 with glycine.
Molecular consequence: missense variant.
Genome position (GRCh38, 1-based): chr18:62,102,834, T>C on the plus strand (A>G on the coding strand, the complement: PIGN is on the minus strand). VCF-style: chr18-62102834-T-C. GRCh37 (hg19) VCF-style: chr18-59770067-T-C.
Other names: c.1928A>G, p.Asp643Gly (NM_012327.6); short protein forms D643G.
Identifiers: ClinVar variation 2066428 (VCV002066428.2), dbSNP rs893809898, ClinGen allele CA301702924.

ClinVar aggregate classification (germline): Uncertain significance (1 of 4 stars; one submission).

Conditions:
Multiple congenital anomalies-hypotonia-seizures syndrome 1 (MCAHS1). Also called: PIGN-CDG; Congenital disorder of glycosylation due to PIGN deficiency; GLYCOSYLPHOSPHATIDYLINOSITOL BIOSYNTHESIS DEFECT 3. Identifiers: Orphanet 280633, MedGen C3279775, MONDO:0013563, OMIM 614080.

Allele frequency attached by ClinVar (database versions not stated): gnomAD 0.00001; TOPMed 0.00001.
gnomAD v4.1: 11 of 1,579,216 alleles (0.0007%); highest among the groups gnomAD compares: Non-Finnish European, 0.00086%; no homozygotes.

Submission:

Labcorp Genetics (formerly Invitae), Labcorp
Classification: Uncertain significance for Multiple congenital anomalies-hypotonia-seizures syndrome 1. Last evaluated: 2023-08-24. Review status: criteria provided, single submitter. Criteria: Invitae Variant Classification Sherloc (09022015). Collection method: clinical testing. Allele origin: germline.
Comment: This variant is not present in population databases (gnomAD no frequency). This sequence change replaces aspartic acid, which is acidic and polar, with glycine, which is neutral and non-polar, at codon 643 of the PIGN protein (p.Asp643Gly). This variant has not been reported in the literature in individuals affected with PIGN-related conditions. ClinVar contains an entry for this variant (Variation ID: 2066428). Advanced modeling of protein sequence and biophysical properties (such as structural, functional, and spatial information, amino acid conservation, physicochemical variation, residue mobility, and thermodynamic stability) performed at Invitae indicates that this missense variant is not expected to disrupt PIGN protein function. In summary, the available evidence is currently insufficient to determine the role of this variant in disease. Therefore, it has been classified as a Variant of Uncertain Significance.